The following is an entry in ClinVar:

ClinVar aggregate classification (germline): Uncertain significance. Review status: criteria provided, multiple submitters, no conflicts (2 of 4 stars). 3 submissions from 3 submitters: Uncertain significance (3). Last evaluated 2025-09-25.

Conditions:
Hereditary sensory neuropathy-deafness-dementia syndrome. Also called: Hereditary sensory neuropathy type IE; HSN IE; NEUROPATHY, HEREDITARY SENSORY, WITH HEARING LOSS AND DEMENTIA; Hereditary Sensory and Autonomic Neuropathy Type 1E (HSAN1E). Identifiers: Orphanet 456318, MedGen C3279885, MONDO:0013584, OMIM 614116.
Autosomal dominant cerebellar ataxia, deafness and narcolepsy. Also called: Autosomal Dominant Cerebellar Ataxia, Deafness, and Narcolepsy (ADCA-DN). Identifiers: Orphanet 314404, MedGen C4302668, MONDO:0011397, OMIM 604121.

Allele frequency attached by ClinVar (database versions not stated): gnomAD 0.00001.
gnomAD v4.1: 4 of 1,613,890 alleles (0.00025%); highest among the groups gnomAD compares: Non-Finnish European, 0.00034%; no homozygotes.

Submissions (3):

Labcorp Genetics (formerly Invitae), Labcorp
Classification: Uncertain significance for Hereditary sensory neuropathy-deafness-dementia syndrome. Last evaluated: 2025-09-25. Review status: criteria provided, single submitter. Criteria: Invitae Variant Classification Sherloc (09022015). Collection method: clinical testing. Allele origin: germline.
Comment: This sequence change replaces phenylalanine, which is neutral and non-polar, with leucine, which is neutral and non-polar, at codon 831 of the DNMT1 protein (p.Phe831Leu). This variant is not present in population databases (gnomAD no frequency). This variant has not been reported in the literature in individuals affected with DNMT1-related conditions. ClinVar contains an entry for this variant (Variation ID: 1678080). Invitae Evidence Modeling of protein sequence and biophysical properties (such as structural, functional, and spatial information, amino acid conservation, physicochemical variation, residue mobility, and thermodynamic stability) indicates that this missense variant is not expected to disrupt DNMT1 protein function with a negative predictive value of 80%. In summary, the available evidence is currently insufficient to determine the role of this variant in disease. Therefore, it has been classified as a Variant of Uncertain Significance.

Molecular Genetics, Royal Melbourne Hospital
Classification: Uncertain significance for Autosomal dominant cerebellar ataxia, deafness and narcolepsy. Last evaluated: 2024-05-02. Review status: criteria provided, single submitter. Criteria: ACMG Guidelines, 2015. Collection method: clinical testing. Allele origin: germline. Inheritance: Autosomal dominant inheritance.
Comment: This sequence change in DNMT1 is predicted to replace phenylalanine with leucine at codon 831, p.(Phe831Leu). The phenylalanine residue is highly conserved (100 vertebrates, Multiz Alignments), and is located in the BAH 1 domain in a region (amino acids 807-839) that is highly intolerant to missense variation. There is a small physicochemical difference between phenylalanine and leucine. The highest population minor allele frequency in the population database gnomAD v4.0 is 0.0003% (4/1,180,008 alleles) in the European (non-Finnish) population. To our knowledge, this variant has not been previously reported in the relevant scientific literature. Computational evidence predicts a deleterious effect for the missense substitution (REVEL = 0.752). Based on the classification scheme RMH Modified ACMG/AMP Guidelines v1.6.1, this variant is classified as a VARIANT OF UNCERTAIN SIGNIFICANCE. Following criteria are met: PM1, PM2_Supporting, PP3.

AiLife Diagnostics
Classification: Uncertain significance. Last evaluated: 2022-03-28. Review status: criteria provided, single submitter. Criteria: ACMG Guidelines, 2015. Collection method: clinical testing. Allele origin: germline. Affected: yes. Observed: 1 variant allele.

NM_001130823.3(DNMT1):c.2493C>G (p.Phe831Leu)

Gene: DNMT1 (DNA methyltransferase 1; minus strand). Cytogenetic location: 19p13.2.
Variant type: single nucleotide variant.
Coding change: c.2493C>G on transcript NM_001130823.3 (MANE Select); coding-DNA position 2493, C replaced by G.
Protein change: p.Phe831Leu; replaces phenylalanine 831 with leucine.
Molecular consequence: missense variant.
Genome position (GRCh38, 1-based): chr19:10,149,546, G>C on the plus strand (C>G on the coding strand, the complement: DNMT1 is on the minus strand). VCF-style: chr19-10149546-G-C. GRCh37 (hg19) VCF-style: chr19-10260222-G-C.
Other names: c.2445C>G, p.Phe815Leu (NM_001318730.2, NM_001379.4); c.2130C>G, p.Phe710Leu (NM_001318731.2); short protein forms F710L, F815L, F831L.
Identifiers: ClinVar variation 1678080 (VCV001678080.3), dbSNP rs2038289703, ClinGen allele CA403928953.